The following is an entry in ClinVar:

ClinVar aggregate classification (germline): Likely pathogenic (1 of 4 stars; one submission).

Conditions:
Primary ciliary dyskinesia 3. Identifiers: Orphanet 244, MedGen C1837618, MONDO:0012085, OMIM 608644.

Submission:

Myriad Genetics, Inc.
Classification: Likely pathogenic for Primary ciliary dyskinesia 3. Last evaluated: 2022-01-02. Review status: criteria provided, single submitter. Criteria: Myriad Women's Health Autosomal Recessive and X-Linked Classification Criteria (2021). Collection method: clinical testing. Allele origin: unknown.
Comment: NM_001369.2(DNAH5):c.4922delG(G1641Efs*18) is expected to be pathogenic in the context of DNAH5-related primary ciliary dyskinesia. This variant is predicted to lead to an abnormal or absent protein product due to the creation of a premature termination codon in DNAH5, a gene where loss-of-function variants are known to be pathogenic. Please note: this variant was assessed in the context of healthy population screening.

NM_001369.3(DNAH5):c.4922del (p.Gly1641fs)

Genes: DNAH5 (dynein axonemal heavy chain 5; minus strand), LOC126807318 (MED14-independent group 3 enhancer GRCh37_chr5:13858976-13860175; plus strand). Cytogenetic location: 5p15.2.
Variant type: Deletion.
Coding change: c.4922del on transcript NM_001369.3 (MANE Select); coding-DNA position 4922, one base deleted (G; older notation c.4922delG).
Protein change: p.Gly1641fs; shifts the reading frame from glycine 1641.
Molecular consequence: frameshift variant.
Genome position (GRCh38, 1-based): chr5:13,859,480, C deleted on the plus strand (G on the coding strand, the reverse complement: DNAH5 is on the minus strand); the first of 3 consecutive C bases (chr5:13,859,480-13,859,482); deleting any one gives the same sequence. VCF-style (leftmost placement, unchanged base first): chr5-13859479-TC-T. GRCh37 (hg19) VCF-style: chr5-13859588-TC-T.
Other names: short protein forms G1641fs.
Identifiers: ClinVar variation 1726763 (VCV001726763.2), dbSNP rs2546965266, ClinGen allele CA2580072045.